The following is an entry in ClinVar:

NM_001267550.2(TTN):c.19994-13C>T

Genes: TTN (titin; minus strand), LOC126806429 (BRD4-independent group 4 enhancer GRCh37_chr2:179591393-179592592; plus strand). Cytogenetic location: 2q31.2.
Variant type: single nucleotide variant.
Coding change: c.19994-13C>T on transcript NM_001267550.2 (MANE Select); 13 bases into the intron before coding-DNA position 19994, C replaced by T.
Molecular consequence: intron variant.
Genome position (GRCh38, 1-based): chr2:178,727,384, G>A on the plus strand (C>T on the coding strand, the complement: TTN is on the minus strand). VCF-style: chr2-178727384-G-A. GRCh37 (hg19) VCF-style: chr2-179592111-G-A.
Other names: c.13282+10698C>T (NM_003319.4); c.13858+10698C>T (NM_133437.4); c.13657+10698C>T (NM_133432.3); c.16262-13C>T (NM_133378.4); c.19043-13C>T (NM_001256850.1).
Identifiers: ClinVar variation 893850 (VCV000893850.7), dbSNP rs775393005, ClinGen allele CA2001277.

ClinVar aggregate classification (germline): Conflicting classifications of pathogenicity. Review status: criteria provided, conflicting classifications (1 of 4 stars). 6 submissions from 2 submitters: Uncertain significance (3); Likely benign (3). Last evaluated 2024-09-09.

Conditions:
Autosomal recessive limb-girdle muscular dystrophy type 2J (LGMDR10). Also called: Limb-girdle muscular dystrophy, type 2J; MUSCULAR DYSTROPHY, LIMB-GIRDLE, AUTOSOMAL RECESSIVE 10. Identifiers: Orphanet 140922, MedGen C1837342, MONDO:0012127, OMIM 608807.
Dilated cardiomyopathy 1G (CMD1G). Identifiers: Orphanet 154, MedGen C1858763, MONDO:0011400, OMIM 604145.
Myopathy, myofibrillar, 9, with early respiratory failure (MFM9). Also called: EDSTROM MYOPATHY; MYOPATHY, PROXIMAL, WITH EARLY RESPIRATORY MUSCLE INVOLVEMENT; Myopathy, distal, with early respiratory failure, autosomal dominant; Hereditary myopathy with early respiratory failure. Identifiers: Orphanet 178464, Orphanet 34521, MedGen C1863599, MONDO:0011362, OMIM 603689.
Tibial muscular dystrophy (TMD). Also called: Tibial muscular dystrophy, tardive; UDD MYOPATHY; Udd Distal Myopathy – Tibial Muscular Dystrophy. Identifiers: Orphanet 609, MedGen C1838244, MONDO:0010870, OMIM 600334.
Early-onset myopathy with fatal cardiomyopathy (CMYO5). Also called: CONGENITAL MYOPATHY 5 WITH CARDIOMYOPATHY; Salih Myopathy. Identifiers: Orphanet 289377, MedGen C2673677, MONDO:0012714, OMIM 611705. Disease mechanism: loss of function.

Allele frequency attached by ClinVar (database versions not stated): gnomAD exomes below 0.00001 and 0.00001; gnomAD 0.00001; ExAC 0.00002.

Submissions (6):

Labcorp Genetics (formerly Invitae), Labcorp
Classification: Likely benign for Dilated cardiomyopathy 1G; Autosomal recessive limb-girdle muscular dystrophy type 2J. Last evaluated: 2024-09-09. Review status: criteria provided, single submitter. Criteria: Invitae Variant Classification Sherloc (09022015). Collection method: clinical testing. Allele origin: germline.

Illumina Laboratory Services, Illumina
Classification: Uncertain significance for Dilated cardiomyopathy 1G. Last evaluated: 2018-01-12. Review status: criteria provided, single submitter. Criteria: ICSL Variant Classification Criteria 13 December 2019. Collection method: clinical testing. Allele origin: germline.

Illumina Laboratory Services, Illumina
Classification: Uncertain significance for Early-onset myopathy with fatal cardiomyopathy. Last evaluated: 2018-01-12. Review status: criteria provided, single submitter. Criteria: ICSL Variant Classification Criteria 13 December 2019. Collection method: clinical testing. Allele origin: germline.

Illumina Laboratory Services, Illumina
Classification: Likely benign for Tibial muscular dystrophy. Last evaluated: 2018-01-12. Review status: criteria provided, single submitter. Criteria: ICSL Variant Classification Criteria 13 December 2019. Collection method: clinical testing. Allele origin: germline.
Comment: This variant was observed in the ICSL laboratory as part of a predisposition screen in an ostensibly healthy population. It had not been previously curated by ICSL or reported in the Human Gene Mutation Database (HGMD: prior to June 1st, 2018), and was therefore a candidate for classification through an automated scoring system. Utilizing variant allele frequency, disease prevalence and penetrance estimates, and inheritance mode, an automated score was calculated to assess if this variant is too frequent to cause the disease. Based on the score and internal cut-off values, a variant classified as likely benign is not then subjected to further curation. The score for this variant resulted in a classification of likely benign for this disease.

Illumina Laboratory Services, Illumina
Classification: Likely benign for Myopathy, myofibrillar, 9, with early respiratory failure. Last evaluated: 2018-01-12. Review status: criteria provided, single submitter. Criteria: ICSL Variant Classification Criteria 13 December 2019. Collection method: clinical testing. Allele origin: germline.
Comment: the same text as in the submission from Illumina Laboratory Services, Illumina above.

Illumina Laboratory Services, Illumina
Classification: Uncertain significance for Autosomal recessive limb-girdle muscular dystrophy type 2J. Last evaluated: 2018-01-12. Review status: criteria provided, single submitter. Criteria: ICSL Variant Classification Criteria 13 December 2019. Collection method: clinical testing. Allele origin: germline.